The following is an entry in ClinVar:

NM_000426.4(LAMA2):c.1782+10C>T

Gene: LAMA2 (laminin subunit alpha 2; plus strand). Cytogenetic location: 6q22.33.
Variant type: single nucleotide variant.
Coding change: c.1782+10C>T on transcript NM_000426.4 (MANE Select); 10 bases into the intron after coding-DNA position 1782, C replaced by T.
Molecular consequence: intron variant.
Genome position (GRCh38, 1-based): chr6:129,192,863, C>T. VCF-style: chr6-129192863-C-T. GRCh37 (hg19) VCF-style: chr6-129514008-C-T.
Other names: p.?; c.1782+10C>T (NM_001079823.2).
Identifiers: ClinVar variation 193992 (VCV000193992.25), dbSNP rs200030296, ClinGen allele CA239747.

ClinVar aggregate classification (germline): Conflicting classifications of pathogenicity. Review status: criteria provided, conflicting classifications (1 of 4 stars). 7 submissions from 7 submitters: Uncertain significance (2); Likely benign (4). 1 of the submissions does not count toward it. Last evaluated 2026-01-14.

Conditions:
LAMA2-related disorder. Also called: LAMA2-related condition; LAMA2-related disorders.
LAMA2-related muscular dystrophy (LAMA2-RD). Also called: Laminin alpha 2-related dystrophy. Identifiers: MedGen C5679788, MONDO:0100228.
Congenital muscular dystrophy due to partial LAMA2 deficiency. Identifiers: MedGen C1842898.

Allele frequency attached by ClinVar (database versions not stated): 1000 Genomes Project 30x 0.00016; 1000 Genomes Project 0.00020; ESP Exome Variant Server 0.00031; TOPMed 0.00043; gnomAD exomes 0.00053 and 0.00059; ExAC 0.00073; gnomAD 0.00086 and 0.00091.
gnomAD v4.1: 905 of 1,612,562 alleles (0.056%); highest among the groups gnomAD compares: Non-Finnish European, 0.071%; 1 homozygote.

Submissions (7):

Labcorp Genetics (formerly Invitae), Labcorp
Classification: Likely benign for LAMA2-related muscular dystrophy. Last evaluated: 2026-01-14. Review status: criteria provided, single submitter. Criteria: Invitae Variant Classification Sherloc (09022015). Collection method: clinical testing. Allele origin: germline.

Blueprint Genetics
Classification: Likely benign. Last evaluated: 2024-11-26. Review status: criteria provided, single submitter. Criteria: ACMG Guidelines, 2015. Collection method: clinical testing. Allele origin: germline.

Mayo Clinic Laboratories, Mayo Clinic
Classification: Likely benign. Last evaluated: 2024-10-31. Review status: criteria provided, single submitter. Criteria: ACMG Guidelines, 2015. Collection method: clinical testing. Allele origin: germline. Observed: 3 variant alleles.
Comment: BP4, BP7

GeneDx
Classification: Likely benign. Last evaluated: 2018-03-22. Review status: criteria provided, single submitter. Criteria: GeneDx Variant Classification (06012015). Collection method: clinical testing. Allele origin: germline. Affected: yes.
Comment: This variant is considered likely benign or benign based on one or more of the following criteria: it is a conservative change, it occurs at a poorly conserved position in the protein, it is predicted to be benign by multiple in silico algorithms, and/or has population frequency not consistent with disease.

Illumina Laboratory Services, Illumina
Classification: Uncertain significance for Congenital muscular dystrophy due to partial LAMA2 deficiency. Last evaluated: 2018-01-13. Review status: criteria provided, single submitter. Criteria: ICSL Variant Classification Criteria 13 December 2019. Collection method: clinical testing. Allele origin: germline.

Eurofins Ntd Llc (ga)
Classification: Uncertain significance. Last evaluated: 2015-01-30. Review status: criteria provided, single submitter. Criteria: EGL Classification Definitions 2015. Collection method: clinical testing. Allele origin: germline. Observed: 2 variant alleles, 2 heterozygotes.

PreventionGenetics, part of Exact Sciences
Classification: Likely benign for LAMA2-related condition. Last evaluated: 2020-02-12. Review status: no assertion criteria provided. Collection method: clinical testing. Allele origin: germline. Not counted in ClinVar's aggregate classification.
Comment: This variant is classified as likely benign based on ACMG/AMP sequence variant interpretation guidelines (Richards et al. 2015 PMID: 25741868, with internal and published modifications).